The following is an entry in ClinVar:

NM_139058.3(ARX):c.306GGC[4] (p.Ala110_Ala115del)

Genes: ARX (aristaless related homeobox; minus strand), LOC109610631 (aristaless related homeobox polyalanine expansion region; plus strand). Cytogenetic location: Xp21.3.
Variant type: Microsatellite.
Coding change: c.306GGC[4] on transcript NM_139058.3 (MANE Select); four copies in a row of the 3-base unit GGC starting at c.306; the reference has ten copies in a row; six copies, 18 bases deleted; also written c.318_335del.
Protein change: p.Ala110_Ala115del.
Molecular consequence: inframe deletion.
Genome position (GRCh38, 1-based): chrX:25,013,660-25,013,677, GCCGCCGCCGCCGCCGCC deleted on the plus strand (GGCGGCGGCGGCGGCGGC on the coding strand, the reverse complement: ARX is on the minus strand); deleting any 18 consecutive bases within chrX:25,013,660-25,013,691 gives the same sequence; the position shown is the placement nearest the transcript's 3' end. VCF-style (leftmost placement, unchanged base first): chrX-25013659-TGCCGCCGCCGCCGCCGCC-T. GRCh37 (hg19) VCF-style: chrX-25031776-TGCCGCCGCCGCCGCCGCC-T.
Other names: c.318_335del (NM_139058.3).
Identifiers: ClinVar variation 473008 (VCV000473008.10), dbSNP rs387906492, ClinGen allele CA658656857.

ClinVar aggregate classification (germline): Uncertain significance. Review status: criteria provided, multiple submitters, no conflicts (2 of 4 stars). 2 submissions from 2 submitters: Uncertain significance (2). Last evaluated 2024-06-26.

Conditions:
Intellectual disability, X-linked, with or without seizures, ARX-related. Also called: MENTAL RETARDATION, X-LINKED 29; MENTAL RETARDATION, X-LINKED 32; MENTAL RETARDATION, X-LINKED 33; MENTAL RETARDATION, X-LINKED 38; MENTAL RETARDATION, X-LINKED 43; MENTAL RETARDATION, X-LINKED 76. Identifiers: Orphanet 777, MedGen C0796244, MONDO:0010317, OMIM 300419.
Partington syndrome (PRTS). Also called: MENTAL RETARDATION, X-LINKED 36; MENTAL RETARDATION, X-LINKED, SYNDROMIC 1; MENTAL RETARDATION, X-LINKED, WITH DYSTONIC MOVEMENTS, ATAXIA, AND SEIZURES; Mental retardation-dystonic movements-ataxia-seizures syndrome. Identifiers: Orphanet 94083, MedGen C0796250, MONDO:0010654, OMIM 309510.
Developmental and epileptic encephalopathy, 1 (DEE1). Also called: X-linked infantile spasms; West's syndrome; Tonic spasms with clustering, arrest of psychomotor development and hypsarrhythmia on EEG; X-Linked Infantile Spasm Syndrome; OHTAHARA SYNDROME, X-LINKED; INFANTILE SPASM SYNDROME, X-LINKED 1. Identifiers: MedGen C3463992, MONDO:0010632, OMIM 308350. Disease mechanism: loss of function.
X-linked lissencephaly with abnormal genitalia. Identifiers: Orphanet 452, MedGen C1846171, MONDO:0010268, OMIM 300215.
Corpus callosum agenesis-abnormal genitalia syndrome. Also called: PROUD SYNDROME; ACC WITH ABNORMAL GENITALIA. Identifiers: Orphanet 2508, MedGen C0796124, MONDO:0010224, OMIM 300004.

Submissions (2):

Labcorp Genetics (formerly Invitae), Labcorp
Classification: Uncertain significance for Developmental and epileptic encephalopathy, 1; Intellectual disability, X-linked, with or without seizures, ARX-related. Last evaluated: 2024-06-26. Review status: criteria provided, single submitter. Criteria: Invitae Variant Classification Sherloc (09022015). Collection method: clinical testing. Allele origin: germline.
Comment: This variant, c.318_335del, results in the deletion of 6 amino acid(s) of the ARX protein (p.Ala110_Ala115del), but otherwise preserves the integrity of the reading frame. The frequency data for this variant in the population databases is considered unreliable, as metrics indicate insufficient coverage at this position in the gnomAD database. This variant has not been reported in the literature in individuals affected with ARX-related conditions. ClinVar contains an entry for this variant (Variation ID: 473008). Experimental studies and prediction algorithms are not available or were not evaluated, and the functional significance of this variant is currently unknown. In summary, the available evidence is currently insufficient to determine the role of this variant in disease. Therefore, it has been classified as a Variant of Uncertain Significance.

Fulgent Genetics
Classification: Uncertain significance for Corpus callosum agenesis-abnormal genitalia syndrome; X-linked lissencephaly with abnormal genitalia; Intellectual disability, X-linked, with or without seizures, ARX-related; Developmental and epileptic encephalopathy, 1; Partington syndrome. Last evaluated: 2021-09-23. Review status: criteria provided, single submitter. Criteria: ACMG Guidelines, 2015. Collection method: clinical testing. Allele origin: unknown.